The following is an entry in ClinVar:

NM_152296.5(ATP1A3):c.471+3G>A

Gene: ATP1A3 (ATPase Na+/K+ transporting subunit alpha 3; minus strand). Cytogenetic location: 19q13.2.
Variant type: single nucleotide variant.
Coding change: c.471+3G>A on transcript NM_152296.5 (MANE Select); 3 bases into the intron after coding-DNA position 471, G replaced by A.
Molecular consequence: intron variant.
Genome position (GRCh38, 1-based): chr19:41,986,113, C>T on the plus strand (G>A on the coding strand, the complement: ATP1A3 is on the minus strand). VCF-style: chr19-41986113-C-T. GRCh37 (hg19) VCF-style: chr19-42490265-C-T.
Other names: c.510+3G>A (NM_001256214.2); c.504+3G>A (NM_001256213.2).
Identifiers: ClinVar variation 1979879 (VCV001979879.4), dbSNP rs994638969, ClinGen allele CA308597891.
Genomic context (GRCh38, chr19:41,986,113, plus strand): 5'-TGGGCCCGGCCCCCAGCCCATACACTAACACCCCCGTCTGGCCCCTTGCTGGGCACCCTT[C>T]ACCTGGGGCACCATGTTCTTGAAGGACTCCATGATCTTGGAGCTCTTGGCCTCCTGGTAG-3'

ClinVar aggregate classification (germline): Uncertain significance (1 of 4 stars; one submission).

Conditions:
Dystonia 12 (DYT12). Also called: DYT-ATP1A3; Rapid-Onset Dystonia-Parkinsonism (RDP). Identifiers: Orphanet 71517, MedGen C1868681, MONDO:0007496, OMIM 128235.

Submission:

Labcorp Genetics (formerly Invitae), Labcorp
Classification: Uncertain significance for Dystonia 12. Last evaluated: 2022-02-28. Review status: criteria provided, single submitter. Criteria: Invitae Variant Classification Sherloc (09022015). Collection method: clinical testing. Allele origin: germline.
Comment: In summary, the available evidence is currently insufficient to determine the role of this variant in disease. Therefore, it has been classified as a Variant of Uncertain Significance. Variants that disrupt the consensus splice site are a relatively common cause of aberrant splicing (PMID: 17576681, 9536098). Algorithms developed to predict the effect of sequence changes on RNA splicing suggest that this variant is not likely to affect RNA splicing. This variant has not been reported in the literature in individuals affected with ATP1A3-related conditions. This variant is not present in population databases (gnomAD no frequency). This sequence change falls in intron 5 of the ATP1A3 gene. It does not directly change the encoded amino acid sequence of the ATP1A3 protein. It affects a nucleotide within the consensus splice site.

Literature cited by the submitters: PubMed 17576681; PubMed 9536098.